The following is an entry in ClinVar:

NM_000388.4(CASR):c.3180G>C (p.Gln1060His)

Gene: CASR (calcium sensing receptor; plus strand). Cytogenetic location: 3q21.1.
Variant type: single nucleotide variant.
Coding change: c.3180G>C on transcript NM_000388.4 (MANE Select); coding-DNA position 3180, G replaced by C.
Protein change: p.Gln1060His; replaces glutamine 1060 with histidine.
Molecular consequence: missense variant.
Genome position (GRCh38, 1-based): chr3:122,285,134, G>C. VCF-style: chr3-122285134-G-C. GRCh37 (hg19) VCF-style: chr3-122003981-G-C.
Other names: c.3210G>C, p.Gln1070His (NM_001178065.2); short protein forms Q1060H, Q1070H.
Identifiers: ClinVar variation 1495226 (VCV001495226.6), dbSNP rs2107652073, ClinGen allele CA354161721.

ClinVar aggregate classification (germline): Uncertain significance (1 of 4 stars; one submission).

Conditions:
Autosomal dominant hypocalcemia 1 (HYPOC1). Also called: HYPOCALCEMIA, FAMILIAL. Identifiers: MedGen C3715128, MONDO:0011013, OMIM 601198.
Familial hypocalciuric hypercalcemia (FHH). Also called: Familial benign hypercalcemia. Identifiers: Orphanet 405, MedGen C1809471, MONDO:0018458.

Submission:

Labcorp Genetics (formerly Invitae), Labcorp
Classification: Uncertain significance for Familial hypocalciuric hypercalcemia; Autosomal dominant hypocalcemia 1. Last evaluated: 2021-10-29. Review status: criteria provided, single submitter. Criteria: Invitae Variant Classification Sherloc (09022015). Collection method: clinical testing. Allele origin: germline.
Comment: In summary, the available evidence is currently insufficient to determine the role of this variant in disease. Therefore, it has been classified as a Variant of Uncertain Significance. Algorithms developed to predict the effect of missense changes on protein structure and function are either unavailable or do not agree on the potential impact of this missense change (SIFT: "Deleterious"; PolyPhen-2: "Benign"; Align-GVGD: "Class C0"). This variant has not been reported in the literature in individuals affected with CASR-related conditions. This variant is not present in population databases (gnomAD no frequency). This sequence change replaces glutamine, which is neutral and polar, with histidine, which is basic and polar, at codon 1060 of the CASR protein (p.Gln1060His).